The following is an entry in ClinVar:

NM_033100.4(CDHR1):c.784-1G>C

Gene: CDHR1 (cadherin related family member 1; plus strand). Cytogenetic location: 10q23.1.
Variant type: single nucleotide variant.
Coding change: c.784-1G>C on transcript NM_033100.4 (MANE Select); the canonical splice acceptor site of the intron before coding-DNA position 784, G replaced by C.
Molecular consequence: splice acceptor variant.
Genome position (GRCh38, 1-based): chr10:84,204,526, G>C. VCF-style: chr10-84204526-G-C. GRCh37 (hg19) VCF-style: chr10-85964282-G-C.
Other names: c.784-1G>C (NM_001171971.3).
Identifiers: ClinVar variation 1488416 (VCV001488416.6), dbSNP rs777305743, ClinGen allele CA5579707.

ClinVar aggregate classification (germline): Likely pathogenic (1 of 4 stars; one submission).

Allele frequency attached by ClinVar (database versions not stated): ExAC 0.00001; gnomAD exomes 0.00001 and 0.00004; TOPMed 0.00001.

Submission:

Labcorp Genetics (formerly Invitae), Labcorp
Classification: Likely pathogenic. Last evaluated: 2022-10-17. Review status: criteria provided, single submitter. Criteria: Invitae Variant Classification Sherloc (09022015). Collection method: clinical testing. Allele origin: germline.
Comment: This variant is present in population databases (rs777305743, gnomAD 0.003%). This sequence change affects an acceptor splice site in intron 8 of the CDHR1 gene. It is expected to disrupt RNA splicing. Variants that disrupt the donor or acceptor splice site typically lead to a loss of protein function (PMID: 16199547), and loss-of-function variants in CDHR1 are known to be pathogenic (PMID: 23044944, 23591405, 26103963, 26261414). This variant has not been reported in the literature in individuals affected with CDHR1-related conditions. Algorithms developed to predict the effect of sequence changes on RNA splicing suggest that this variant may disrupt the consensus splice site. ClinVar contains an entry for this variant (Variation ID: 1488416). In summary, the currently available evidence indicates that the variant is pathogenic, but additional data are needed to prove that conclusively. Therefore, this variant has been classified as Likely Pathogenic.

Literature cited by the submitters: PubMed 16199547; PubMed 23044944; PubMed 23591405; PubMed 26103963; PubMed 26261414.